The following is an entry in ClinVar:

ClinVar aggregate classification (germline): Likely benign (1 of 4 stars; one submission).

Allele frequency attached by ClinVar (database versions not stated): gnomAD 0.00005; TOPMed 0.00005; ESP Exome Variant Server 0.00008; ExAC 0.00013.
gnomAD v4.1: 43 of 929,684 alleles (0.0046%); highest among the groups gnomAD compares: Middle Eastern, 0.042%; no homozygotes.

Submission:

CeGaT Center for Human Genetics Tuebingen
Classification: Likely benign. Last evaluated: 2022-12-01. Review status: criteria provided, single submitter. Criteria: CeGaT Center For Human Genetics Tuebingen Variant Classification Criteria Version 2. Collection method: clinical testing. Allele origin: germline. Affected: yes. Observed: 1 variant allele.
Comment: CACNA1G: BP4, BP7

NM_018896.5(CACNA1G):c.4422+177C>T

Gene: CACNA1G (calcium voltage-gated channel subunit alpha1 G; plus strand). Cytogenetic location: 17q21.33.
Variant type: single nucleotide variant.
Coding change: c.4422+177C>T on transcript NM_018896.5 (MANE Select); 177 bases into the intron after coding-DNA position 4422, C replaced by T.
Molecular consequence: intron variant.
Genome position (GRCh38, 1-based): chr17:50,606,200, C>T. VCF-style: chr17-50606200-C-T. GRCh37 (hg19) VCF-style: chr17-48683561-C-T.
Other names: c.4422+177C>T (NM_001256325.2, NM_198377.3, NM_198380.3 and 16 more transcripts); c.4353+177C>T (NM_198396.3, NM_198379.3, NM_198387.3 and 5 more transcripts).
Identifiers: ClinVar variation 2647926 (VCV002647926.24), dbSNP rs368121192, ClinGen allele CA8653036.